The following is an entry in ClinVar:

ClinVar aggregate classification (germline): Uncertain significance (1 of 4 stars; one submission).

Conditions:
PCNT-related disorder. Also called: PCNT-related condition.

gnomAD v4.1: 6 of 1,614,052 alleles (0.00037%); highest among the groups gnomAD compares: African/African-American, 0.008%; no homozygotes.

Submission:

PreventionGenetics, part of Exact Sciences
Classification: Uncertain significance for PCNT-related condition. Last evaluated: 2025-05-22. Review status: criteria provided, single submitter. Criteria: ACMG Guidelines, 2015. Collection method: clinical testing. Allele origin: germline.
Comment: The PCNT c.1868G>A variant is predicted to result in the amino acid substitution p.Arg623Lys. To our knowledge, this variant has not been reported in the literature. This variant is reported in 0.023% of alleles in individuals of African descent in gnomAD. At this time, the clinical significance of this variant is uncertain due to the absence of conclusive functional and genetic evidence.

NM_006031.6(PCNT):c.1868G>A (p.Arg623Lys)

Gene: PCNT (pericentrin; plus strand). Cytogenetic location: 21q22.3.
Variant type: single nucleotide variant.
Coding change: c.1868G>A on transcript NM_006031.6 (MANE Select); coding-DNA position 1868, G replaced by A.
Protein change: p.Arg623Lys; replaces arginine 623 with lysine.
Molecular consequence: missense variant.
Genome position (GRCh38, 1-based): chr21:46,355,558, G>A. VCF-style: chr21-46355558-G-A. GRCh37 (hg19) VCF-style: chr21-47775473-G-A.
Other names: c.1514G>A, p.Arg505Lys (NM_001315529.2); short protein forms R623K, R505K.
Identifiers: ClinVar variation 4985668 (VCV004985668.1).